The following is an entry in ClinVar:

ClinVar aggregate classification (germline): Uncertain significance (1 of 4 stars; one submission).

Submission:

Ambry Genetics
Classification: Uncertain significance. Last evaluated: 2024-10-02. Review status: criteria provided, single submitter. Criteria: Ambry Variant Classification Scheme 2023. Collection method: clinical testing. Allele origin: germline.
Comment: The p.E1118K variant (also known as c.3352G>A), located in coding exon 28 of the PRKDC gene, results from a G to A substitution at nucleotide position 3352. The glutamic acid at codon 1118 is replaced by lysine, an amino acid with similar properties. This amino acid position is conserved. In addition, the in silico prediction for this alteration is inconclusive. Based on the available evidence, the clinical significance of this variant remains unclear.

NM_006904.7(PRKDC):c.3352G>A (p.Glu1118Lys)

Gene: PRKDC (protein kinase, DNA-activated, catalytic subunit; minus strand). Cytogenetic location: 8q11.21.
Variant type: single nucleotide variant.
Coding change: c.3352G>A on transcript NM_006904.7 (MANE Select); coding-DNA position 3352, G replaced by A.
Protein change: p.Glu1118Lys; replaces glutamic acid 1118 with lysine.
Molecular consequence: missense variant.
Genome position (GRCh38, 1-based): chr8:47,900,385, C>T on the plus strand (G>A on the coding strand, the complement: PRKDC is on the minus strand). VCF-style: chr8-47900385-C-T. GRCh37 (hg19) VCF-style: chr8-48812945-C-T.
Other names: c.3352G>A, p.Glu1118Lys (NM_001081640.2); short protein forms E1118K.
Identifiers: ClinVar variation 3425345 (VCV003425345.1).